The following is an entry in ClinVar:

ClinVar aggregate classification (germline): Uncertain significance (1 of 4 stars; one submission).

Conditions:
Hereditary cancer-predisposing syndrome. Also called: Neoplastic Syndromes, Hereditary; Tumor predisposition; Hereditary Cancer Syndrome; Hereditary neoplastic syndrome. Identifiers: Orphanet 140162, MedGen C0027672, MeSH D009386, MONDO:0015356.

Submission:

Ambry Genetics
Classification: Uncertain significance for Hereditary cancer-predisposing syndrome. Last evaluated: 2026-01-15. Review status: criteria provided, single submitter. Criteria: Ambry Variant Classification Scheme 2023. Collection method: clinical testing. Allele origin: germline.
Comment: The p.S180C variant (also known as c.538A>T), located in coding exon 1 of the HOXB13 gene, results from an A to T substitution at nucleotide position 538. The serine at codon 180 is replaced by cysteine, an amino acid with dissimilar properties. This amino acid position is conserved. In addition, this alteration is predicted to be tolerated by in silico analysis. Based on the available evidence, the clinical significance of this variant remains unclear.

NM_006361.6(HOXB13):c.538A>T (p.Ser180Cys)

Gene: HOXB13 (homeobox B13; minus strand). Cytogenetic location: 17q21.32.
Variant type: single nucleotide variant.
Coding change: c.538A>T on transcript NM_006361.6 (MANE Select); coding-DNA position 538, A replaced by T.
Protein change: p.Ser180Cys; replaces serine 180 with cysteine.
Molecular consequence: missense variant.
Genome position (GRCh38, 1-based): chr17:48,728,056, T>A on the plus strand (A>T on the coding strand, the complement: HOXB13 is on the minus strand). VCF-style: chr17-48728056-T-A. GRCh37 (hg19) VCF-style: chr17-46805418-T-A.
Other names: short protein forms S180C.
Identifiers: ClinVar variation 4844717 (VCV004844717.1).